The following is an entry in ClinVar:

ClinVar aggregate classification (germline): Uncertain significance (1 of 4 stars; one submission).

Conditions:
Warburg micro syndrome 2 (WARBM2). Also called: MICRO SYNDROME 2. Identifiers: Orphanet 2510, MedGen C3280214, MONDO:0013641, OMIM 614225.
Martsolf syndrome (MARTS). Also called: Congenital cataract with intellectual disability and hypogonadotropic hypogonadism syndrome. Identifiers: Orphanet 1387, MedGen C0796037, MONDO:0023910.

Submission:

Labcorp Genetics (formerly Invitae), Labcorp
Classification: Uncertain significance for Martsolf syndrome; Warburg micro syndrome 2. Last evaluated: 2022-08-15. Review status: criteria provided, single submitter. Criteria: Invitae Variant Classification Sherloc (09022015). Collection method: clinical testing. Allele origin: germline.
Comment: In summary, the available evidence is currently insufficient to determine the role of this variant in disease. Therefore, it has been classified as a Variant of Uncertain Significance. Algorithms developed to predict the effect of missense changes on protein structure and function are either unavailable or do not agree on the potential impact of this missense change (SIFT: "Deleterious"; PolyPhen-2: "Possibly Damaging"; Align-GVGD: "Class C0"). This variant has not been reported in the literature in individuals affected with RAB3GAP2-related conditions. This variant is not present in population databases (gnomAD no frequency). This sequence change replaces leucine, which is neutral and non-polar, with serine, which is neutral and polar, at codon 541 of the RAB3GAP2 protein (p.Leu541Ser).

NM_012414.4(RAB3GAP2):c.1622T>C (p.Leu541Ser)

Gene: RAB3GAP2 (RAB3 GTPase activating non-catalytic protein subunit 2; minus strand). Cytogenetic location: 1q41.
Variant type: single nucleotide variant.
Coding change: c.1622T>C on transcript NM_012414.4 (MANE Select); coding-DNA position 1622, T replaced by C.
Protein change: p.Leu541Ser; replaces leucine 541 with serine.
Molecular consequence: missense variant.
Genome position (GRCh38, 1-based): chr1:220,190,386, A>G on the plus strand (T>C on the coding strand, the complement: RAB3GAP2 is on the minus strand). VCF-style: chr1-220190386-A-G. GRCh37 (hg19) VCF-style: chr1-220363728-A-G.
Other names: short protein forms L541S.
Identifiers: ClinVar variation 1716478 (VCV001716478.5), dbSNP rs2528679251, ClinGen allele CA344644998.